The following is an entry in ClinVar:

ClinVar aggregate classification (germline): Benign/Likely benign. Review status: criteria provided, multiple submitters, no conflicts (2 of 4 stars). 11 submissions from 11 submitters: Benign (4); Likely benign (6). 1 of the submissions does not count toward it. Last evaluated 2026-06-01.

Conditions:
Kabuki syndrome. Also called: NIIKAWA-KUROKI SYNDROME; Kabuki make-up syndrome. Identifiers: Orphanet 2322, MedGen C0796004, MONDO:0016512.
Kabuki syndrome 1 (KABUK1). Also called: KMT2D-Related Kabuki Syndrome. Identifiers: Orphanet 2322, MedGen CN030661, MONDO:0007843, OMIM 147920.

Allele frequency attached by ClinVar (database versions not stated): 1000 Genomes Project 30x 0.00016; 1000 Genomes Project 0.00020; ESP Exome Variant Server 0.00170; TOPMed 0.00136; gnomAD exomes 0.00260; ExAC 0.00262.
gnomAD v4.1: 3,155 of 1,525,190 alleles (0.21%); highest among the groups gnomAD compares: Non-Finnish European, 0.2%; 11 homozygotes.

Submissions (11):

CeGaT Center for Human Genetics Tuebingen
Classification: Likely benign. Last evaluated: 2026-06-01. Review status: criteria provided, single submitter. Criteria: CeGaT Center For Human Genetics Tuebingen Variant Classification Criteria Version 2. Collection method: clinical testing. Allele origin: germline. Affected: yes. Observed: 33 variant alleles.
Comment: KMT2D: BP4, BS1

Labcorp Genetics (formerly Invitae), Labcorp
Classification: Benign for Kabuki syndrome. Last evaluated: 2026-01-26. Review status: criteria provided, single submitter. Criteria: Invitae Variant Classification Sherloc (09022015). Collection method: clinical testing. Allele origin: germline.

Blueprint Genetics
Classification: Likely benign. Last evaluated: 2024-11-22. Review status: criteria provided, single submitter. Criteria: ACMG Guidelines, 2015. Collection method: clinical testing. Allele origin: germline.

ARUP Laboratories, Molecular Genetics and Genomics, ARUP Laboratories
Classification: Likely benign. Last evaluated: 2024-10-08. Review status: criteria provided, single submitter. Criteria: ARUP Molecular Germline Variant Investigation Process 2024. Collection method: clinical testing. Allele origin: germline.

Genetic Services Laboratory, University of Chicago
Classification: Benign. Last evaluated: 2022-01-06. Review status: criteria provided, single submitter. Criteria: ACMG Guidelines, 2015. Collection method: clinical testing. Allele origin: germline. Affected: no.

GeneDx
Classification: Benign. Last evaluated: 2020-06-18. Review status: criteria provided, single submitter. Criteria: GeneDx Variant Classification Process June 2021. Collection method: clinical testing. Allele origin: germline. Affected: yes.
Comment: This variant is associated with the following publications: (PMID: 29569031, 24728327)

Center for Pediatric Genomic Medicine, Children's Mercy Hospital and Clinics
Classification: Benign. Last evaluated: 2017-09-25. Review status: criteria provided, single submitter. Criteria: ACMG Guidelines, 2015. Collection method: clinical testing. Allele origin: germline.

Center for Human Genetics, Inc
Classification: Likely benign for Kabuki syndrome 1. Last evaluated: 2016-11-01. Review status: criteria provided, single submitter. Criteria: ACMG Guidelines, 2015. Collection method: clinical testing. Allele origin: germline. Affected: yes.

Eurofins Ntd Llc (ga)
Classification: Likely benign. Last evaluated: 2015-02-09. Review status: criteria provided, single submitter. Criteria: EGL Classification Definitions 2015. Collection method: clinical testing. Allele origin: germline. Observed: 5 variant alleles, 5 heterozygotes.

PreventionGenetics, part of Exact Sciences
Classification: Likely benign. Review status: criteria provided, single submitter. Criteria: ACMG Guidelines, 2015. Collection method: clinical testing. Allele origin: germline.

ITMI
No classification provided. Condition: AllHighlyPenetrant. Last evaluated: 2013-09-19. Review status: no classification provided. Collection method: reference population. Allele origin: germline. Not counted in ClinVar's aggregate classification.
Comment: Please see associated publication for description of ethnicities

Literature cited by the submitters: PubMed 24728327 (cited by ITMI).

NM_003482.4(KMT2D):c.6629C>T (p.Pro2210Leu)

Gene: KMT2D (lysine methyltransferase 2D; minus strand). Cytogenetic location: 12q13.12.
Variant type: single nucleotide variant.
Coding change: c.6629C>T on transcript NM_003482.4 (MANE Select); coding-DNA position 6629, C replaced by T.
Protein change: p.Pro2210Leu; replaces proline 2210 with leucine.
Molecular consequence: missense variant.
Genome position (GRCh38, 1-based): chr12:49,041,141, G>A on the plus strand (C>T on the coding strand, the complement: KMT2D is on the minus strand). VCF-style: chr12-49041141-G-A. GRCh37 (hg19) VCF-style: chr12-49434924-G-A.
Other names: short protein forms P2210L.
Identifiers: ClinVar variation 94240 (VCV000094240.58), dbSNP rs201190869, ClinGen allele CA160541.